The following is an entry in ClinVar:

ClinVar aggregate classification (germline): Likely benign. Review status: criteria provided, multiple submitters, no conflicts (2 of 4 stars). 4 submissions from 4 submitters: Likely benign (3). 1 of the submissions does not count toward it. Last evaluated 2022-04-01.

Conditions:
TMPO-related disorder. Also called: TMPO-related condition.

Allele frequency attached by ClinVar (database versions not stated): ExAC 0.00024; gnomAD 0.00052 and 0.00054; TOPMed 0.00055; ESP Exome Variant Server 0.00062; 1000 Genomes Project 30x 0.00094; 1000 Genomes Project 0.00120.

Submissions (4):

CeGaT Center for Human Genetics Tuebingen
Classification: Likely benign. Last evaluated: 2022-04-01. Review status: criteria provided, single submitter. Criteria: CeGaT Center For Human Genetics Tuebingen Variant Classification Criteria Version 2. Collection method: clinical testing. Allele origin: germline. Affected: yes. Observed: 1 variant allele.
Comment: TMPO: BP4, BP7

GeneDx
Classification: Likely benign. Last evaluated: 2020-09-24. Review status: criteria provided, single submitter. Criteria: GeneDx Variant Classification Process June 2021. Collection method: clinical testing. Allele origin: germline. Affected: yes.

Breakthrough Genomics
Classification: Likely benign. Review status: criteria provided, single submitter. Criteria: ACMG Guidelines, 2015. Collection method: not provided. Allele origin: germline. Inheritance: Unknown mechanism. Affected: yes.

PreventionGenetics, part of Exact Sciences
Classification: Likely benign for TMPO-related condition. Last evaluated: 2024-07-18. Review status: no assertion criteria provided. Collection method: clinical testing. Allele origin: germline. Not counted in ClinVar's aggregate classification.
Comment: This variant is classified as likely benign based on ACMG/AMP sequence variant interpretation guidelines (Richards et al. 2015 PMID: 25741868, with internal and published modifications).

NM_001032283.3(TMPO):c.654G>A (p.Glu218=)

Gene: TMPO (thymopoietin; plus strand). Cytogenetic location: 12q23.1.
Variant type: single nucleotide variant.
Coding change: c.654G>A on transcript NM_001032283.3 (MANE Select); coding-DNA position 654, G replaced by A.
Protein change: p.Glu218=; no amino-acid change (glutamic acid 218 retained).
Molecular consequence: synonymous variant.
Genome position (GRCh38, 1-based): chr12:98,537,563, G>A. VCF-style: chr12-98537563-G-A. GRCh37 (hg19) VCF-style: chr12-98931341-G-A.
Other names: c.654G>A (NM_001032283.2); c.654G>A, p.Glu218= (NM_001032284.3, NM_001307975.2).
Identifiers: ClinVar variation 1202574 (VCV001202574.28), dbSNP rs138298699, ClinGen allele CA6732565.